The following is an entry in ClinVar:

ClinVar aggregate classification (germline): Benign/Likely benign. Review status: criteria provided, multiple submitters, no conflicts (2 of 4 stars). 4 submissions from 4 submitters: Benign (3); Likely benign (1). Last evaluated 2026-02-04.

Conditions:
Orthostatic hypotension 1 (ORTHYP1). Also called: Dopamine beta-hydroxylase deficiency; Orthostatic hypotension 1, due to DBH deficiency; NORADRENALINE DEFICIENCY; NOREPINEPHRINE DEFICIENCY. Identifiers: Orphanet 230, MedGen C4746777, MONDO:0009123, OMIM 223360.

Allele frequency attached by ClinVar (database versions not stated): 1000 Genomes Project 0.00599; 1000 Genomes Project 30x 0.00640; TOPMed 0.01093; gnomAD 0.01137 and 0.01161; ESP Exome Variant Server 0.01292.
gnomAD v4.1: 24,926 of 1,601,262 alleles (1.6%); highest among the groups gnomAD compares: Non-Finnish European, 1.8%; 223 homozygotes.

Submissions (5):

Labcorp Genetics (formerly Invitae), Labcorp
Classification: Benign for Orthostatic hypotension 1. Last evaluated: 2026-02-04. Review status: criteria provided, single submitter. Criteria: Invitae Variant Classification Sherloc (09022015). Collection method: clinical testing. Allele origin: germline.

Blueprint Genetics
Classification: Likely benign. Last evaluated: 2024-11-19. Review status: criteria provided, single submitter. Criteria: ACMG Guidelines, 2015. Collection method: clinical testing. Allele origin: germline.

Illumina Laboratory Services, Illumina
Classification: Benign for Orthostatic hypotension 1. Last evaluated: 2018-01-13. Review status: criteria provided, single submitter. Criteria: ICSL Variant Classification Criteria 13 December 2019. Collection method: clinical testing. Allele origin: germline.
Comment: This variant was observed in the ICSL laboratory as part of a predisposition screen in an ostensibly healthy population. It had not been previously curated by ICSL or reported in the Human Gene Mutation Database (HGMD: prior to June 1st, 2018), and was therefore a candidate for classification through an automated scoring system. Utilizing variant allele frequency, disease prevalence and penetrance estimates, and inheritance mode, an automated score was calculated to assess if this variant is too frequent to cause the disease. Based on the score and internal cut-off values, a variant classified as benign is not then subjected to further curation. The score for this variant resulted in a classification of benign for this disease.

Breakthrough Genomics
Classification: Benign. Review status: criteria provided, single submitter. Criteria: ACMG Guidelines, 2015. Collection method: not provided. Allele origin: germline. Inheritance: Autosomal recessive inheritance. Affected: yes.

Dr. Peter K. Rogan Lab, Western University
No classification provided (evidence only). Condition: Sarcoma. Review status: no classification provided. Collection method: in vitro. Allele origin: not applicable. Functional consequence: retained intron. Not counted in ClinVar's aggregate classification.

NM_000787.4(DBH):c.744+8C>T

Gene: DBH (dopamine beta-hydroxylase; plus strand). Cytogenetic location: 9q34.2.
Variant type: single nucleotide variant.
Coding change: c.744+8C>T on transcript NM_000787.4 (MANE Select); 8 bases into the intron after coding-DNA position 744, C replaced by T.
Molecular consequence: intron variant.
Genome position (GRCh38, 1-based): chr9:133,642,472, C>T. VCF-style: chr9-133642472-C-T. GRCh37 (hg19) VCF-style: chr9-136507594-C-T.
Identifiers: ClinVar variation 365644 (VCV000365644.16), dbSNP rs45549938, ClinGen allele CA5313169.